The following is an entry in ClinVar:

NM_198488.5(SACK1H):c.1192C>T (p.Gln398Ter)

Gene: SACK1H (scaffolding CK1 anchoring protein H; minus strand). Cytogenetic location: 8q24.3.
Variant type: single nucleotide variant.
Coding change: c.1192C>T on transcript NM_198488.5 (MANE Select); coding-DNA position 1192, C replaced by T.
Protein change: p.Gln398Ter; replaces glutamine 398 with a stop codon.
Molecular consequence: nonsense.
Genome position (GRCh38, 1-based): chr8:143,728,269, G>A on the plus strand (C>T on the coding strand, the complement: SACK1H is on the minus strand). VCF-style: chr8-143728269-G-A. GRCh37 (hg19) VCF-style: chr8-144810439-G-A.
Other names: c.1192C>T (NM_198488.3); short protein forms Q398*.
Identifiers: ClinVar variation 771 (VCV000000771.3), dbSNP rs137854436, ClinGen allele CA114493.

ClinVar aggregate classification (germline): Pathogenic. Review status: criteria provided, single submitter (1 of 4 stars). 3 submissions from 3 submitters: Pathogenic (1). 2 of the submissions do not count toward it. Last evaluated 2026-08-26.

Conditions:
FAM83H-related disorder. Also called: FAM83H-related condition.
Amelogenesis imperfecta, type 3A (AI3A). Also called: AMELOGENESIS IMPERFECTA, TYPE IIIA, LOCALIZED; AMELOGENESIS IMPERFECTA, HYPOCALCIFICATION TYPE, AUTOSOMAL DOMINANT; AMELOGENESIS IMPERFECTA, TYPE IIIA. Identifiers: MedGen C5886770, MONDO:0007538, OMIM 130900.

Submissions (3):

Institute of Human Genetics, University of Leipzig Medical Center
Classification: Pathogenic for Amelogenesis imperfecta, type 3A. Last evaluated: 2026-08-26. Review status: criteria provided, single submitter. Criteria: ACMG Guidelines, 2015. Collection method: clinical testing. Allele origin: maternal. Inheritance: Autosomal dominant inheritance. Affected: yes.
Comment: Criteria applied: PVS1,PS4_MOD,PM2

PreventionGenetics, part of Exact Sciences
Classification: Pathogenic for FAM83H-related condition. Last evaluated: 2024-05-01. Review status: no assertion criteria provided. Collection method: clinical testing. Allele origin: germline. Not counted in ClinVar's aggregate classification.
Comment: The FAM83H c.1192C>T variant is predicted to result in premature protein termination (p.Gln398*). This variant has been reported in a family with autosomal dominant hypocalcified amelogenesis imperfecta (Kim et al 2008. PubMed ID: 18252228, family 2). This variant has not been reported in a large population database, indicating it is rare. Nonsense variants in FAM83H are expected to be pathogenic. This variant is interpreted as pathogenic.

OMIM
Classification: Pathogenic for AMELOGENESIS IMPERFECTA, TYPE IIIA. Last evaluated: 2008-02-01. Review status: no assertion criteria provided. Collection method: literature only. Allele origin: germline. Not counted in ClinVar's aggregate classification.

Literature cited by the submitters: PubMed 18252228 (cited by OMIM).